The following is an entry in ClinVar:

ClinVar aggregate classification (germline): Uncertain significance (1 of 4 stars; one submission).

Conditions:
Primary dilated cardiomyopathy (DCM). Also called: Dilated Cardiomyopathy. Identifiers: Orphanet 217604, MedGen C0007193, MeSH D002311, MONDO:0005021, HP:0001644. Inheritance: Various modes of inheritance.
Hypertrophic cardiomyopathy. Also called: HYPERTROPHIC MYOCARDIOPATHY. Identifiers: Orphanet 217569, MedGen C0007194, MeSH D002312, MONDO:0005045, HP:0001639.

Submission:

Labcorp Genetics (formerly Invitae), Labcorp
Classification: Uncertain significance for Hypertrophic cardiomyopathy; Primary dilated cardiomyopathy. Last evaluated: 2023-02-09. Review status: criteria provided, single submitter. Criteria: Invitae Variant Classification Sherloc (09022015). Collection method: clinical testing. Allele origin: germline.
Comment: In summary, the available evidence is currently insufficient to determine the role of this variant in disease. Therefore, it has been classified as a Variant of Uncertain Significance. Algorithms developed to predict the effect of missense changes on protein structure and function (SIFT, PolyPhen-2, Align-GVGD) all suggest that this variant is likely to be tolerated. This sequence change replaces glutamic acid, which is acidic and polar, with alanine, which is neutral and non-polar, at codon 116 of the PDLIM3 protein (p.Glu116Ala). This variant is not present in population databases (gnomAD no frequency). This variant has not been reported in the literature in individuals affected with PDLIM3-related conditions.

NM_014476.6(PDLIM3):c.347A>C (p.Glu116Ala)

Genes: PDLIM3 (PDZ and LIM domain 3; minus strand), LOC126807246 (BRD4-independent group 4 enhancer GRCh37_chr4:186434842-186436041; plus strand). Cytogenetic location: 4q35.1.
Variant type: single nucleotide variant.
Coding change: c.347A>C on transcript NM_014476.6 (MANE Select); coding-DNA position 347, A replaced by C.
Protein change: p.Glu116Ala; replaces glutamic acid 116 with alanine.
Molecular consequence: missense variant. On other transcripts: intron variant (1).
Genome position (GRCh38, 1-based): chr4:185,514,321, T>G on the plus strand (A>C on the coding strand, the complement: PDLIM3 is on the minus strand). VCF-style: chr4-185514321-T-G. GRCh37 (hg19) VCF-style: chr4-186435475-T-G.
Other names: c.110A>C, p.Glu37Ala (NM_001257963.2); c.518+382A>C (NM_001114107.5); c.347A>C, p.Glu116Ala (NM_001257962.2); short protein forms E116A, E37A.
Identifiers: ClinVar variation 2939938 (VCV002939938.3), dbSNP rs2478376624, ClinGen allele CA358925009.
Genomic context (GRCh38, chr4:185,514,321, plus strand): 5'-GCTTATGACCTGCTTCGGCCCGGGATCACGAAAGGTTTGGGCCGAATATTATGCTTGTGT[T>G]CAAAGTAGTTCCCGTCCTGTGAAAACAAAGCGTTAAAAAGGCCCTCAGTGGAAGGCGGAC-3'
Protein context (NP_055291.2, residues 106-126): ESEPQDGNYF[Glu116Ala]HKHNIRPKPF